The following is an entry in ClinVar:

ClinVar aggregate classification (germline): Likely benign (1 of 4 stars; one submission).

Allele frequency attached by ClinVar (database versions not stated): ESP Exome Variant Server 0.00023; gnomAD 0.00023; gnomAD exomes 0.00034; ExAC 0.00014; TOPMed 0.00022.
gnomAD v4.1: 523 of 1,614,058 alleles (0.032%); highest among the groups gnomAD compares: Non-Finnish European, 0.039%; no homozygotes.

Submission:

CeGaT Center for Human Genetics Tuebingen
Classification: Likely benign. Last evaluated: 2022-09-01. Review status: criteria provided, single submitter. Criteria: CeGaT Center For Human Genetics Tuebingen Variant Classification Criteria Version 2. Collection method: clinical testing. Allele origin: germline. Affected: yes. Observed: 1 variant allele.
Comment: CTTNBP2: BP4, BP7

NM_033427.3(CTTNBP2):c.4278A>G (p.Thr1426=)

Gene: CTTNBP2 (cortactin binding protein 2; minus strand). Cytogenetic location: 7q31.31.
Variant type: single nucleotide variant.
Coding change: c.4278A>G on transcript NM_033427.3 (MANE Select); coding-DNA position 4278, A replaced by G.
Protein change: p.Thr1426=; no amino-acid change (threonine 1426 retained).
Molecular consequence: synonymous variant.
Genome position (GRCh38, 1-based): chr7:117,724,716, T>C on the plus strand (A>G on the coding strand, the complement: CTTNBP2 is on the minus strand). VCF-style: chr7-117724716-T-C. GRCh37 (hg19) VCF-style: chr7-117364770-T-C.
Other names: c.4224A>G, p.Thr1408= (NM_001363349.1); c.2181A>G, p.Thr727= (NM_001363350.1, NM_001363351.1).
Identifiers: ClinVar variation 2657963 (VCV002657963.24), dbSNP rs145882289, ClinGen allele CA4451935.
Genomic context (GRCh38, chr7:117,724,716, plus strand): 5'-GTTACAAGTGTTATAACTGGAAACTATGGATAAAGGGAAACTTCCTCCTTTGAAATCAGC[T>C]GTATGCTGGTCTAGCTCTGAAACAACACAAATCACAGCAGGGATAATGCAGTTTCACTGA-3'
Protein context (NP_219499.1, residues 1416-1436): PLPRAELDQH[Thr1426=]ADFKGGSFPL